The following is an entry in ClinVar:

NM_001197104.2(KMT2A):c.7079T>G (p.Val2360Gly)

Gene: KMT2A (lysine methyltransferase 2A; plus strand). Cytogenetic location: 11q23.3.
Variant type: single nucleotide variant.
Coding change: c.7079T>G on transcript NM_001197104.2 (MANE Select); coding-DNA position 7079, T replaced by G.
Protein change: p.Val2360Gly; replaces valine 2360 with glycine.
Molecular consequence: missense variant.
Genome position (GRCh38, 1-based): chr11:118,502,971, T>G. VCF-style: chr11-118502971-T-G. GRCh37 (hg19) VCF-style: chr11-118373686-T-G.
Other names: c.7169T>G, p.Val2390Gly (NM_001412597.1); c.7070T>G, p.Val2357Gly (NM_005933.4); short protein forms V2360G, V2357G, V2390G.
Identifiers: ClinVar variation 3684870 (VCV003684870.2).
Genomic context (GRCh38, chr11:118,502,971, plus strand): 5'-ACACAACATCTAGAGAACTGAATGTTAGTAAAATCGGCTCCTTTGCTGAACCCTCTTCAG[T>G]GTCGTTTTCTTCTAAAGAGGCCCTCTCCTTCCCACACCTCCATTTGAGAGGGCAAAGGAA-3'
Protein context (NP_001184033.1, residues 2350-2370): KIGSFAEPSS[Val2360Gly]SFSSKEALSF

ClinVar aggregate classification (germline): Uncertain significance (1 of 4 stars; one submission).

Submission:

Labcorp Genetics (formerly Invitae), Labcorp
Classification: Uncertain significance. Last evaluated: 2024-07-04. Review status: criteria provided, single submitter. Criteria: Invitae Variant Classification Sherloc (09022015). Collection method: clinical testing. Allele origin: germline.
Comment: This sequence change replaces valine, which is neutral and non-polar, with glycine, which is neutral and non-polar, at codon 2360 of the KMT2A protein (p.Val2360Gly). This variant is not present in population databases (gnomAD no frequency). This variant has not been reported in the literature in individuals affected with KMT2A-related conditions. Advanced modeling of protein sequence and biophysical properties (such as structural, functional, and spatial information, amino acid conservation, physicochemical variation, residue mobility, and thermodynamic stability) performed at Invitae indicates that this missense variant is not expected to disrupt KMT2A protein function with a negative predictive value of 95%. In summary, the available evidence is currently insufficient to determine the role of this variant in disease. Therefore, it has been classified as a Variant of Uncertain Significance.